The following is an entry in ClinVar:

ClinVar aggregate classification (germline): Uncertain significance (1 of 4 stars; one submission).

Allele frequency attached by ClinVar (database versions not stated): gnomAD exomes below 0.00001; gnomAD 0.00001; TOPMed 0.00001.
gnomAD v4.1: 7 of 1,613,196 alleles (0.00043%); highest among the groups gnomAD compares: Non-Finnish European, 0.00051%; no homozygotes.

Submission:

Labcorp Genetics (formerly Invitae), Labcorp
Classification: Uncertain significance. Last evaluated: 2025-07-30. Review status: criteria provided, single submitter. Criteria: Invitae Variant Classification Sherloc (09022015). Collection method: clinical testing. Allele origin: germline.
Comment: This sequence change replaces glycine, which is neutral and non-polar, with glutamic acid, which is acidic and polar, at codon 1398 of the POLR1A protein (p.Gly1398Glu). This variant is not present in population databases (gnomAD no frequency). This variant has not been reported in the literature in individuals affected with POLR1A-related conditions. ClinVar contains an entry for this variant (Variation ID: 1362714). Invitae Evidence Modeling of protein sequence and biophysical properties (such as structural, functional, and spatial information, amino acid conservation, physicochemical variation, residue mobility, and thermodynamic stability) indicates that this missense variant is not expected to disrupt POLR1A protein function with a negative predictive value of 80%. In summary, the available evidence is currently insufficient to determine the role of this variant in disease. Therefore, it has been classified as a Variant of Uncertain Significance.

NM_015425.6(POLR1A):c.4193G>A (p.Gly1398Glu)

Gene: POLR1A (RNA polymerase I subunit A; minus strand). Cytogenetic location: 2p11.2.
Variant type: single nucleotide variant.
Coding change: c.4193G>A on transcript NM_015425.6 (MANE Select); coding-DNA position 4193, G replaced by A.
Protein change: p.Gly1398Glu; replaces glycine 1398 with glutamic acid.
Molecular consequence: missense variant.
Genome position (GRCh38, 1-based): chr2:86,032,351, C>T on the plus strand (G>A on the coding strand, the complement: POLR1A is on the minus strand). VCF-style: chr2-86032351-C-T. GRCh37 (hg19) VCF-style: chr2-86259474-C-T.
Other names: short protein forms G1398E.
Identifiers: ClinVar variation 1362714 (VCV001362714.8), dbSNP rs1672414587, ClinGen allele CA347548078.